The following is an entry in ClinVar:

NM_002386.4(MC1R):c.730A>T (p.Thr244Ser)

Gene: MC1R (melanocortin 1 receptor; plus strand). Cytogenetic location: 16q24.3.
Variant type: single nucleotide variant.
Coding change: c.730A>T on transcript NM_002386.4 (MANE Select); coding-DNA position 730, A replaced by T.
Protein change: p.Thr244Ser; replaces threonine 244 with serine.
Molecular consequence: missense variant.
Genome position (GRCh38, 1-based): chr16:89,919,988, A>T. VCF-style: chr16-89919988-A-T. GRCh37 (hg19) VCF-style: chr16-89986396-A-T.
Other names: short protein forms T244S.
Identifiers: ClinVar variation 3871143 (VCV003871143.1).
Genomic context (GRCh38, chr16:89,919,988, plus strand): 5'-CTCCACAAGAGGCAGCGCCCGGTCCACCAGGGCTTTGGCCTTAAAGGCGCTGTCACCCTC[A>T]CCATCCTGCTGGGCATTTTCTTCCTCTGCTGGGGCCCCTTCTTCCTGCATCTCACACTCA-3'
Protein context (NP_002377.4, residues 234-254): GFGLKGAVTL[Thr244Ser]ILLGIFFLCW

ClinVar aggregate classification (germline): Uncertain significance (1 of 4 stars; one submission).

gnomAD v4.1: 3 of 1,613,122 alleles (0.00019%); highest among the groups gnomAD compares: Non-Finnish European, 0.00025%; no homozygotes.

Submission:

Ambry Genetics
Classification: Uncertain significance. Last evaluated: 2025-03-10. Review status: criteria provided, single submitter. Criteria: Ambry Variant Classification Scheme 2023. Collection method: clinical testing. Allele origin: germline.
Comment: The p.T244S variant (also known as c.730A>T), located in coding exon 1 of the MC1R gene, results from an A to T substitution at nucleotide position 730. The threonine at codon 244 is replaced by serine, an amino acid with similar properties. This amino acid position is conserved. In addition, this alteration is predicted to be tolerated by in silico analysis. Based on the available evidence, the clinical significance of this variant remains unclear.